The following is an entry in ClinVar:

ClinVar aggregate classification (germline): Uncertain significance (1 of 4 stars; one submission).

Conditions:
VMA22-related condition.

gnomAD v4.1: 9 of 1,612,336 alleles (0.00056%); highest among the groups gnomAD compares: East Asian, 0.0022%; no homozygotes.

Submission:

PreventionGenetics, part of Exact Sciences
Classification: Uncertain significance for VMA22-related condition. Last evaluated: 2026-07-07. Review status: criteria provided, single submitter. Criteria: ACMG Guidelines, 2015. Collection method: clinical testing. Allele origin: germline.
Comment: The VMA22 c.83C>A variant is predicted to result in the amino acid substitution p.Ala28Asp. To our knowledge, this variant has not been reported in the literature or in a large population database (gnomAD), indicating this variant is rare. At this time, the clinical significance of this variant is uncertain due to the absence of conclusive functional and genetic evidence.

NM_032357.4(VMA22):c.-22C>A

Genes: VMA22 (vacuolar ATPase assembly factor VMA22; minus strand), LOC129934769 (ATAC-STARR-seq lymphoblastoid active region 16526; plus strand). Cytogenetic location: 2q21.1.
Variant type: single nucleotide variant.
Coding change: c.-22C>A on transcript NM_032357.4 (MANE Select); 22 bases upstream of the start codon, C replaced by A.
Molecular consequence: 5 prime UTR variant. On other transcripts: missense variant (1), non-coding transcript variant (2).
Genome position (GRCh38, 1-based): chr2:130,342,147, G>T on the plus strand (C>A on the coding strand, the complement: VMA22 is on the minus strand). VCF-style: chr2-130342147-G-T. GRCh37 (hg19) VCF-style: chr2-131099720-G-T.
Other names: c.83C>A, p.Ala28Asp (NM_001321118.1); c.-22C>A (NM_001321119.2); short protein forms A28D.
Identifiers: ClinVar variation 4984252 (VCV004984252.1).